The following is an entry in ClinVar:

ClinVar aggregate classification (germline): Uncertain significance. Review status: criteria provided, multiple submitters, no conflicts (2 of 4 stars). 2 submissions from 2 submitters: Uncertain significance (2). Last evaluated 2025-10-21.

Allele frequency attached by ClinVar (database versions not stated): ExAC 0.00001; gnomAD exomes 0.00001 and 0.00002; TOPMed 0.00002; gnomAD 0.00003 and 0.00004.
gnomAD v4.1: 30 of 1,613,130 alleles (0.0019%); highest among the groups gnomAD compares: African/African-American, 0.0027%; no homozygotes.

Submissions (2):

Labcorp Genetics (formerly Invitae), Labcorp
Classification: Uncertain significance. Last evaluated: 2025-10-21. Review status: criteria provided, single submitter. Criteria: Invitae Variant Classification Sherloc (09022015). Collection method: clinical testing. Allele origin: germline.
Comment: This sequence change replaces valine, which is neutral and non-polar, with isoleucine, which is neutral and non-polar, at codon 120 of the IL12RB2 protein (p.Val120Ile). This variant is present in population databases (rs763813144, gnomAD 0.0009%). This variant has not been reported in the literature in individuals affected with IL12RB2-related conditions. ClinVar contains an entry for this variant (Variation ID: 1417162). An algorithm developed to predict the effect of missense changes on protein structure and function (PolyPhen-2) suggests that this variant is likely to be disruptive. In summary, the available evidence is currently insufficient to determine the role of this variant in disease. Therefore, it has been classified as a Variant of Uncertain Significance.

Ambry Genetics
Classification: Uncertain significance. Last evaluated: 2023-12-19. Review status: criteria provided, single submitter. Criteria: Ambry Variant Classification Scheme 2023. Collection method: clinical testing. Allele origin: germline.

NM_001374259.2(IL12RB2):c.358G>A (p.Val120Ile)

Gene: IL12RB2 (interleukin 12 receptor subunit beta 2; plus strand). Cytogenetic location: 1p31.3.
Variant type: single nucleotide variant.
Coding change: c.358G>A on transcript NM_001374259.2 (MANE Select); coding-DNA position 358, G replaced by A.
Protein change: p.Val120Ile; replaces valine 120 with isoleucine.
Molecular consequence: missense variant. On other transcripts: non-coding transcript variant (2).
Genome position (GRCh38, 1-based): chr1:67,321,883, G>A. VCF-style: chr1-67321883-G-A. GRCh37 (hg19) VCF-style: chr1-67787566-G-A.
Other names: c.358G>A, p.Val120Ile (NM_001258214.1, NM_001258215.1, NM_001258216.1 and 2 more transcripts); c.358G>A (NM_001559.2); short protein forms V120I.
Identifiers: ClinVar variation 1417162 (VCV001417162.9), dbSNP rs763813144, ClinGen allele CA900162.